The following is an entry in ClinVar:

ClinVar aggregate classification (germline): Benign. Review status: criteria provided, single submitter (1 of 4 stars). 3 submissions from 3 submitters: Benign (1). 2 of the submissions do not count toward it.

Conditions:
TECR-related disorder. Also called: TECR-related condition.

Allele frequency attached by ClinVar (database versions not stated): gnomAD 0.03349 and 0.03573; 1000 Genomes Project 0.03834; TOPMed 0.03861; 1000 Genomes Project 30x 0.04107; ESP Exome Variant Server 0.04152.
gnomAD v4.1: 10,204 of 1,606,628 alleles (0.64%); highest among the groups gnomAD compares: African/African-American, 12%; 586 homozygotes.

Submissions (3):

Breakthrough Genomics
Classification: Benign. Review status: criteria provided, single submitter. Criteria: ACMG Guidelines, 2015. Collection method: not provided. Allele origin: germline. Inheritance: Autosomal recessive inheritance. Affected: yes.

PreventionGenetics, part of Exact Sciences
Classification: Benign for TECR-related condition. Last evaluated: 2019-06-27. Review status: no assertion criteria provided. Collection method: clinical testing. Allele origin: germline. Not counted in ClinVar's aggregate classification.
Comment: This variant is classified as benign based on ACMG/AMP sequence variant interpretation guidelines (Richards et al. 2015 PMID: 25741868, with internal and published modifications).

Genetic Services Laboratory, University of Chicago
Classification: Likely benign for AllHighlyPenetrant. Review status: no assertion criteria provided. Collection method: clinical testing. Allele origin: germline. Inheritance: Autosomal recessive inheritance. Not counted in ClinVar's aggregate classification.
Comment: Likely benign based on allele frequency in 1000 Genomes Project or ESP global frequency and its presence in a patient with a rare or unrelated disease phenotype. NOT Sanger confirmed.

NM_138501.6(TECR):c.462C>A (p.Gly154=)

Gene: TECR (trans-2,3-enoyl-CoA reductase; plus strand). Cytogenetic location: 19p13.12.
Variant type: single nucleotide variant.
Coding change: c.462C>A on transcript NM_138501.6 (MANE Select); coding-DNA position 462, C replaced by A.
Protein change: p.Gly154=; no amino-acid change (glycine 154 retained).
Molecular consequence: synonymous variant.
Genome position (GRCh38, 1-based): chr19:14,564,260, C>A. VCF-style: chr19-14564260-C-A. GRCh37 (hg19) VCF-style: chr19-14675072-C-A.
Other names: c.507C>A, p.Gly169= (NM_001321170.1).
Identifiers: ClinVar variation 130580 (VCV000130580.9), dbSNP rs76484116, ClinGen allele CA155701.